The following is an entry in ClinVar:

ClinVar aggregate classification (germline): Uncertain significance (1 of 4 stars; one submission).

Conditions:
Charcot-Marie-Tooth disease type 2. Also called: Charcot-Marie-Tooth type 2. Identifiers: Orphanet 64746, MedGen C0270914, MONDO:0018993.

Submission:

Labcorp Genetics (formerly Invitae), Labcorp
Classification: Uncertain significance for Charcot-Marie-Tooth disease type 2. Last evaluated: 2024-07-02. Review status: criteria provided, single submitter. Criteria: Invitae Variant Classification Sherloc (09022015). Collection method: clinical testing. Allele origin: germline.
Comment: This sequence change replaces glutamine, which is neutral and polar, with leucine, which is neutral and non-polar, at codon 410 of the LMNA protein (p.Gln410Leu). This variant is not present in population databases (gnomAD no frequency). This variant has not been reported in the literature in individuals affected with LMNA-related conditions. Advanced modeling of protein sequence and biophysical properties (such as structural, functional, and spatial information, amino acid conservation, physicochemical variation, residue mobility, and thermodynamic stability) has been performed at Invitae for this missense variant, however the output from this modeling did not meet the statistical confidence thresholds required to predict the impact of this variant on LMNA protein function. In summary, the available evidence is currently insufficient to determine the role of this variant in disease. Therefore, it has been classified as a Variant of Uncertain Significance.

NM_170707.4(LMNA):c.1229A>T (p.Gln410Leu)

Gene: LMNA (lamin A/C; plus strand). Cytogenetic location: 1q22.
Variant type: single nucleotide variant.
Coding change: c.1229A>T on transcript NM_170707.4 (MANE Select); coding-DNA position 1229, A replaced by T.
Protein change: p.Gln410Leu; replaces glutamine 410 with leucine.
Molecular consequence: missense variant.
Genome position (GRCh38, 1-based): chr1:156,136,285, A>T. VCF-style: chr1-156136285-A-T. GRCh37 (hg19) VCF-style: chr1-156106076-A-T.
Other names: c.893A>T, p.Gln298Leu (NM_001257374.3, NM_001406998.1, NM_001406989.1); c.986A>T, p.Gln329Leu (NM_001282624.2, NM_001406986.1, NM_001406987.1); c.1229A>T, p.Gln410Leu (NM_001282625.2, NM_001282626.2, NM_001406983.1 and 6 more transcripts); c.605A>T, p.Gln202Leu (NM_001406994.1, NM_001406999.1, NM_001407000.1 and 1 more transcripts); c.671A>T, p.Gln224Leu (NM_001406995.1, NM_001406996.1, NM_001406997.1 and 4 more transcripts); c.932A>T, p.Gln311Leu (NM_001406988.1); short protein forms Q202L, Q329L, Q410L, Q298L, Q224L, Q311L.
Identifiers: ClinVar variation 3633635 (VCV003633635.2).
Genomic context (GRCh38, chr1:156,136,285, plus strand): 5'-CCCCCAGCCCTACCTCGCAGCGCAGCCGTGGCCGTGCTTCCTCTCACTCATCCCAGACAC[A>T]GGGTGGGGGCAGCGTCACCAAAAAGCGCAAACTGGAGTCCACTGAGAGCCGCAGCAGCTT-3'
Protein context (NP_733821.1, residues 400-420): GRASSHSSQT[Gln410Leu]GGGSVTKKRK